The following is an entry in ClinVar:

ClinVar aggregate classification (germline): Uncertain significance (1 of 4 stars; one submission).

Submission:

GeneDx
Classification: Uncertain significance. Last evaluated: 2022-12-09. Review status: criteria provided, single submitter. Criteria: GeneDx Variant Classification Process June 2021. Collection method: clinical testing. Allele origin: germline. Affected: yes.
Comment: Not observed at significant frequency in large population cohorts (gnomAD); In silico analysis supports that this missense variant does not alter protein structure/function; Has not been previously published as pathogenic or benign to our knowledge

NM_003128.3(SPTBN1):c.4436A>G (p.His1479Arg)

Gene: SPTBN1 (spectrin beta, non-erythrocytic 1; plus strand). Cytogenetic location: 2p16.2.
Variant type: single nucleotide variant.
Coding change: c.4436A>G on transcript NM_003128.3 (MANE Select); coding-DNA position 4436, A replaced by G.
Protein change: p.His1479Arg; replaces histidine 1479 with arginine.
Molecular consequence: missense variant.
Genome position (GRCh38, 1-based): chr2:54,645,395, A>G. VCF-style: chr2-54645395-A-G. GRCh37 (hg19) VCF-style: chr2-54872532-A-G.
Other names: c.4397A>G, p.His1466Arg (NM_178313.3); short protein forms H1466R, H1479R.
Identifiers: ClinVar variation 2504826 (VCV002504826.1), dbSNP rs2549555574, ClinGen allele CA346901279.